The following is an entry in ClinVar:

NM_000883.4(IMPDH1):c.484G>A (p.Asp162Asn)

Gene: IMPDH1 (inosine monophosphate dehydrogenase 1; minus strand). Cytogenetic location: 7q32.1.
Variant type: single nucleotide variant.
Coding change: c.484G>A on transcript NM_000883.4 (MANE Select); coding-DNA position 484, G replaced by A.
Protein change: p.Asp162Asn; replaces aspartic acid 162 with asparagine.
Molecular consequence: missense variant.
Genome position (GRCh38, 1-based): chr7:128,401,035, C>T on the plus strand (G>A on the coding strand, the complement: IMPDH1 is on the minus strand). VCF-style: chr7-128401035-C-T. GRCh37 (hg19) VCF-style: chr7-128041089-C-T.
Other names: c.454G>A, p.Asp152Asn (NM_001102605.2); c.229G>A, p.Asp77Asn (NM_001142573.2, NM_001142574.2, NM_001142575.2); c.385G>A, p.Asp129Asn (NM_001142576.2); c.277G>A, p.Asp93Asn (NM_001304521.2); c.376G>A, p.Asp126Asn (NM_183243.3); short protein forms D152N, D126N, D162N, D93N, D129N, D77N.
Identifiers: ClinVar variation 969946 (VCV000969946.9), dbSNP rs1798299290, ClinGen allele CA369174373.
Genomic context (GRCh38, chr7:128,401,035, plus strand): 5'-CCTGTGTGCCCTGGAGTCCCCATGCAGGTGTGTAACTCACAGCCATGGCAATGGCCATGT[C>T]AGCCTCTGTCACAGTGTCCATGGGGGAGGAGATCAGTGGCGTCTTCAGCGTGATCTTCCG-3'
Protein context (NP_000874.2, residues 152-172): SSPMDTVTEA[Asp162Asn]MAIAMALMGG

ClinVar aggregate classification (germline): Uncertain significance (1 of 4 stars; one submission).

Allele frequency attached by ClinVar (database versions not stated): gnomAD exomes 0.00001.
gnomAD v4.1: 3 of 1,614,018 alleles (0.00019%); highest among the groups gnomAD compares: Non-Finnish European, 0.00025%; no homozygotes.

Submission:

Labcorp Genetics (formerly Invitae), Labcorp
Classification: Uncertain significance. Last evaluated: 2020-01-22. Review status: criteria provided, single submitter. Criteria: Invitae Variant Classification Sherloc (09022015). Collection method: clinical testing. Allele origin: germline.
Comment: In summary, the available evidence is currently insufficient to determine the role of this variant in disease. Therefore, it has been classified as a Variant of Uncertain Significance. Algorithms developed to predict the effect of missense changes on protein structure and function (SIFT, PolyPhen-2, Align-GVGD) all suggest that this variant is likely to be tolerated, but these predictions have not been confirmed by published functional studies and their clinical significance is uncertain. This variant has not been reported in the literature in individuals with IMPDH1-related conditions. This variant is not present in population databases (ExAC no frequency). This sequence change replaces aspartic acid with asparagine at codon 162 of the IMPDH1 protein (p.Asp162Asn). The aspartic acid residue is moderately conserved and there is a small physicochemical difference between aspartic acid and asparagine.